The following is an entry in ClinVar:

NM_080680.3(COL11A2):c.2268+5G>A

Gene: COL11A2 (collagen type XI alpha 2 chain; minus strand). Cytogenetic location: 6p21.32.
Variant type: single nucleotide variant.
Coding change: c.2268+5G>A on transcript NM_080680.3 (MANE Select); 5 bases into the intron after coding-DNA position 2268, G replaced by A.
Molecular consequence: intron variant.
Genome position (GRCh38, 1-based): chr6:33,176,011, C>T on the plus strand (G>A on the coding strand, the complement: COL11A2 is on the minus strand). VCF-style: chr6-33176011-C-T. GRCh37 (hg19) VCF-style: chr6-33143788-C-T.
Other names: c.1947+5G>A (NM_080679.3); c.2010+5G>A (NM_080681.3).
Identifiers: ClinVar variation 1712715 (VCV001712715.2), dbSNP rs2535064841, ClinGen allele CA2578581678.
Genomic context (GRCh38, chr6:33,176,011, plus strand): 5'-TGGCGTCTCCAGAGTGGAGGCTCAGTAGAACACGGAATTGGGGCCAGTGTGGGGTCTCTA[C>T]TCACCCTGTCACCTTTCACGCCTATGTCACCTTTGAACCCAGGAAAGCCATCCTCACCCT-3'

ClinVar aggregate classification (germline): Uncertain significance (1 of 4 stars; one submission).

Submission:

GeneDx
Classification: Uncertain significance. Last evaluated: 2022-04-25. Review status: criteria provided, single submitter. Criteria: GeneDx Variant Classification Process June 2021. Collection method: clinical testing. Allele origin: germline. Affected: yes.
Comment: Not observed at significant frequency in large population cohorts (gnomAD); In silico analysis supports a deleterious effect on splicing; Has not been previously published as pathogenic or benign to our knowledge